The following is an entry in ClinVar:

NM_080680.3(COL11A2):c.799-7A>G

Gene: COL11A2 (collagen type XI alpha 2 chain; minus strand). Cytogenetic location: 6p21.32.
Variant type: single nucleotide variant.
Coding change: c.799-7A>G on transcript NM_080680.3 (MANE Select); 7 bases into the intron before coding-DNA position 799, A replaced by G.
Molecular consequence: intron variant.
Genome position (GRCh38, 1-based): chr6:33,185,785, T>C on the plus strand (A>G on the coding strand, the complement: COL11A2 is on the minus strand). VCF-style: chr6-33185785-T-C. GRCh37 (hg19) VCF-style: chr6-33153562-T-C.
Other names: c.798+842A>G (NM_080679.3); c.799-731A>G (NM_080681.3).
Identifiers: ClinVar variation 1482776 (VCV001482776.5), dbSNP rs771451654, ClinGen allele CA3751554.

ClinVar aggregate classification (germline): Uncertain significance (1 of 4 stars; one submission).

Allele frequency attached by ClinVar (database versions not stated): gnomAD 0.00001 and 0.00002; gnomAD exomes 0.00001 and below 0.00001; ExAC 0.00001; TOPMed 0.00001.
gnomAD v4.1: 6 of 1,240,296 alleles (0.00048%); highest among the groups gnomAD compares: Admixed American, 0.0098%; no homozygotes.

Submission:

Labcorp Genetics (formerly Invitae), Labcorp
Classification: Uncertain significance. Last evaluated: 2026-01-05. Review status: criteria provided, single submitter. Criteria: Invitae Variant Classification Sherloc (09022015). Collection method: clinical testing. Allele origin: germline.
Comment: This sequence change falls in intron 5 of the COL11A2 gene. It does not directly change the encoded amino acid sequence of the COL11A2 protein. This variant is present in population databases (rs771451654, gnomAD 0.009%). This variant has not been reported in the literature in individuals affected with COL11A2-related conditions. ClinVar contains an entry for this variant (Variation ID: 1482776). Algorithms developed to predict the effect of sequence changes on RNA splicing suggest that this variant may disrupt the consensus splice site. In summary, the available evidence is currently insufficient to determine the role of this variant in disease. Therefore, it has been classified as a Variant of Uncertain Significance.